The following is an entry in ClinVar:

ClinVar aggregate classification (germline): Pathogenic (1 of 4 stars; one submission).

Submission:

Labcorp Genetics (formerly Invitae), Labcorp
Classification: Pathogenic. Last evaluated: 2020-03-20. Review status: criteria provided, single submitter. Criteria: Invitae Variant Classification Sherloc (09022015). Collection method: clinical testing. Allele origin: germline.
Comment: This variant is not present in population databases (ExAC no frequency). This sequence change creates a premature translational stop signal (p.Gln1475Asnfs*73) in the COL4A5 gene. It is expected to result in an absent or disrupted protein product. This variant has not been reported in the literature in individuals with COL4A5-related conditions. Loss-of-function variants in COL4A5 are known to be pathogenic (PMID: 9195222, 10752524, 14514738, 24854265, 26809805). For these reasons, this variant has been classified as Pathogenic.

Literature cited by the submitters: PubMed 9195222; PubMed 10752524; PubMed 14514738; PubMed 24854265; PubMed 26809805.

NM_033380.3(COL4A5):c.4441del (p.Gln1481fs)

Gene: COL4A5 (collagen type IV alpha 5 chain; plus strand). Cytogenetic location: Xq22.3.
Variant type: Deletion.
Coding change: c.4441del on transcript NM_033380.3 (MANE Select); coding-DNA position 4441, one base deleted (C; older notation c.4441delC).
Protein change: p.Gln1481fs; shifts the reading frame from glutamine 1481.
Molecular consequence: frameshift variant.
Genome position (GRCh38, 1-based): chrX:108,687,607, C deleted. VCF-style (leftmost placement, unchanged base first): chrX-108687606-AC-A. GRCh37 (hg19) VCF-style: chrX-107930836-AC-A.
Other names: c.4423del, p.Gln1475fs (NM_000495.5); short protein forms Q1475fs, Q1481fs.
Identifiers: ClinVar variation 1076834 (VCV001076834.7), dbSNP rs2147991468, ClinGen allele CA2499226311.